The following is an entry in ClinVar:

ClinVar aggregate classification (germline): Uncertain significance (1 of 4 stars; one submission).

Submission:

GeneDx
Classification: Uncertain significance. Last evaluated: 2019-03-11. Review status: criteria provided, single submitter. Criteria: GeneDx Variant Classification Process June 2021. Collection method: clinical testing. Allele origin: germline. Affected: yes.
Comment: Not observed in large population cohorts (Lek et al., 2016; McVean et al., 2012; Exome Variant Server); In silico analysis, which includes protein predictors and evolutionary conservation, supports a deleterious effect; Has not been previously published as pathogenic or benign to our knowledge

NM_004187.5(KDM5C):c.2732T>C (p.Leu911Pro)

Gene: KDM5C (lysine demethylase 5C; minus strand). Cytogenetic location: Xp11.22.
Variant type: single nucleotide variant.
Coding change: c.2732T>C on transcript NM_004187.5 (MANE Select); coding-DNA position 2732, T replaced by C.
Protein change: p.Leu911Pro; replaces leucine 911 with proline.
Molecular consequence: missense variant. On other transcripts: non-coding transcript variant (3).
Genome position (GRCh38, 1-based): chrX:53,196,935, A>G on the plus strand (T>C on the coding strand, the complement: KDM5C is on the minus strand). VCF-style: chrX-53196935-A-G. GRCh37 (hg19) VCF-style: chrX-53226117-A-G.
Other names: c.2531T>C, p.Leu844Pro (NM_001146702.2); c.2729T>C, p.Leu910Pro (NM_001282622.3, NM_001353979.2, NM_001353982.2); c.2732T>C, p.Leu911Pro (NM_001353978.3, NM_001353981.2, NM_001353984.2); short protein forms L844P, L910P, L911P.
Identifiers: ClinVar variation 1307800 (VCV001307800.2), dbSNP rs2146839393, ClinGen allele CA413113246.
Genomic context (GRCh38, chrX:53,196,935, plus strand): 5'-AGCCATCGCGCCTGTTCCACCTGCCGCTGGAGCTGCTGGGCCTCAGGCACCTCCACCCCC[A>G]GCTGCCGCCCCCTCTCCAACAGGGACTGCAGTAGCCCTGGACTGGAGGGCAGTGAGGCCA-3'
Protein context (NP_004178.2, residues 901-921): LQSLLERGRQ[Leu911Pro]GVEVPEAQQL